The following is an entry in ClinVar:

NM_004738.5(VAPB):c.*6182C>T

Gene: VAPB (VAMP associated protein B and C; plus strand). Cytogenetic location: 20q13.32.
Variant type: single nucleotide variant.
Coding change: c.*6182C>T on transcript NM_004738.5 (MANE Select); 6182 bases downstream of the stop codon, C replaced by T.
Molecular consequence: 3 prime UTR variant. On other transcripts: non-coding transcript variant (1).
Genome position (GRCh38, 1-based): chr20:58,450,417, C>T. VCF-style: chr20-58450417-C-T. GRCh37 (hg19) VCF-style: chr20-57025473-C-T.
Other names: c.*6252C>T (NM_001195677.2).
Identifiers: ClinVar variation 339019 (VCV000339019.7), dbSNP rs76708676, ClinGen allele CA9924668.
Genomic context (GRCh38, chr20:58,450,417, plus strand): 5'-TGTTTGCTACTATATGAGGTGCTGCGAAATTAGTGGGCGTGGCTTTTTATATTTTTCATT[C>T]GTGTGTAGCCTAAGTAAGGTGACTCAAGATGATACACCGAGAGAAAAATGCAAAATATAT-3'

ClinVar aggregate classification (germline): Benign. Review status: criteria provided, multiple submitters, no conflicts (2 of 4 stars). 3 submissions from 2 submitters: Benign (3). Last evaluated 2018-01-13.

Conditions:
Amyotrophic lateral sclerosis type 8 (ALS8). Identifiers: Orphanet 803, MedGen C1837728, MONDO:0012077, OMIM 608627.
Adult-onset proximal spinal muscular atrophy, autosomal dominant. Also called: FINKEL LATE-ADULT TYPE SMA; Spinal muscular atrophy, late-onset, finkel type. Identifiers: Orphanet 209335, MedGen C1854058, MONDO:0008453, OMIM 182980.

Allele frequency attached by ClinVar (database versions not stated): 1000 Genomes Project 30x 0.00765; 1000 Genomes Project 0.00819; TOPMed 0.01042; gnomAD 0.01132; ExAC 0.02834.

Submissions (3):

Illumina Laboratory Services, Illumina
Classification: Benign for Amyotrophic lateral sclerosis type 8. Last evaluated: 2018-01-13. Review status: criteria provided, single submitter. Criteria: ICSL Variant Classification Criteria 13 December 2019. Collection method: clinical testing. Allele origin: germline.
Comment: This variant was observed in the ICSL laboratory as part of a predisposition screen in an ostensibly healthy population. It had not been previously curated by ICSL or reported in the Human Gene Mutation Database (HGMD: prior to June 1st, 2018), and was therefore a candidate for classification through an automated scoring system. Utilizing variant allele frequency, disease prevalence and penetrance estimates, and inheritance mode, an automated score was calculated to assess if this variant is too frequent to cause the disease. Based on the score and internal cut-off values, a variant classified as benign is not then subjected to further curation. The score for this variant resulted in a classification of benign for this disease.

Illumina Laboratory Services, Illumina
Classification: Benign for Adult-onset proximal spinal muscular atrophy, autosomal dominant. Last evaluated: 2018-01-13. Review status: criteria provided, single submitter. Criteria: ICSL Variant Classification Criteria 13 December 2019. Collection method: clinical testing. Allele origin: germline.
Comment: the same text as in the submission from Illumina Laboratory Services, Illumina above.

Breakthrough Genomics
Classification: Benign. Review status: criteria provided, single submitter. Criteria: ACMG Guidelines, 2015. Collection method: not provided. Allele origin: germline. Inheritance: Autosomal dominant inheritance. Affected: yes.